The following is an entry in ClinVar:

ClinVar aggregate classification (germline): Conflicting classifications of pathogenicity. Review status: criteria provided, conflicting classifications (1 of 4 stars). 11 submissions from 9 submitters: Uncertain significance (8); Likely benign (2). 1 of the submissions does not count toward it. Last evaluated 2026-01-27.

Conditions:
Inborn genetic diseases. Identifiers: MedGen C0950123, MeSH D030342.
Retinal dystrophy. Also called: Inherited retinal dystrophy. Identifiers: Orphanet 71862, MedGen C0854723, MeSH D058499, MONDO:0019118, HP:0000556.
CC2D2A-related disorder. Also called: CC2D2A-related disorders; CC2D2A-related condition. Identifiers: MedGen CN239313.
Joubert syndrome 9 (JBTS9). Identifiers: Orphanet 2318, MedGen C2676788, MONDO:0012849, OMIM 612285.
Meckel-Gruber syndrome. Also called: DYSENCEPHALIA SPLANCHNOCYSTICA; GRUBER SYNDROME; Dysencephalia splachnocystica. Identifiers: Orphanet 564, MedGen C0265215, MONDO:0018921.
Joubert syndrome. Also called: Familial aplasia of the vermis; JOUBERT-BOLTSHAUSER SYNDROME. Identifiers: Orphanet 475, MedGen C5979921, MONDO:0018772.
COACH syndrome 1. Identifiers: Orphanet 1454, MedGen C5435651, MONDO:0800103, OMIM 216360, MONDO:0008996.
Meckel syndrome, type 6. Identifiers: Orphanet 564, MedGen C2676790, MONDO:0012848, OMIM 612284.

Allele frequency attached by ClinVar (database versions not stated): gnomAD exomes 0.00012; ESP Exome Variant Server 0.00016; ExAC 0.00019; TOPMed 0.00019; gnomAD 0.00020 and 0.00021.
gnomAD v4.1: 523 of 1,599,732 alleles (0.033%); highest among the groups gnomAD compares: Non-Finnish European, 0.041%; 1 homozygote.

Submissions (11):

Labcorp Genetics (formerly Invitae), Labcorp
Classification: Likely benign for Joubert syndrome; Meckel-Gruber syndrome. Last evaluated: 2026-01-27. Review status: criteria provided, single submitter. Criteria: Invitae Variant Classification Sherloc (09022015). Collection method: clinical testing. Allele origin: germline.

Mayo Clinic Laboratories, Mayo Clinic
Classification: Uncertain significance. Last evaluated: 2025-05-15. Review status: criteria provided, single submitter. Criteria: ACMG Guidelines, 2015. Collection method: clinical testing. Allele origin: germline. Observed: 1 variant allele.
Comment: BP4_moderate

PreventionGenetics, part of Exact Sciences
Classification: Uncertain significance for CC2D2A-related condition. Last evaluated: 2025-01-22. Review status: criteria provided, single submitter. Criteria: ACMG Guidelines, 2015. Collection method: clinical testing. Allele origin: germline.
Comment: The CC2D2A c.2039G>A variant is predicted to result in the amino acid substitution p.Arg680His. To our knowledge, this variant has not been reported in the literature. This variant is reported in 0.024% of alleles in individuals of European (Non-Finnish) descent in gnomAD. At this time, the clinical significance of this variant is uncertain due to the absence of conclusive functional and genetic evidence.

Ambry Genetics
Classification: Likely benign for Inborn genetic diseases. Last evaluated: 2024-06-25. Review status: criteria provided, single submitter. Criteria: Ambry Variant Classification Scheme 2023. Collection method: clinical testing. Allele origin: germline.

GeneDx
Classification: Uncertain significance. Last evaluated: 2024-03-17. Review status: criteria provided, single submitter. Criteria: GeneDx Variant Classification Process June 2021. Collection method: clinical testing. Allele origin: germline. Affected: yes.
Comment: In silico analysis supports that this missense variant does not alter protein structure/function; Has not been previously published as pathogenic or benign to our knowledge

Baylor Genetics
Classification: Uncertain significance for Joubert syndrome 9. Last evaluated: 2021-05-28. Review status: criteria provided, single submitter. Criteria: ACMG Guidelines, 2015. Collection method: clinical testing. Allele origin: unknown.

Baylor Genetics
Classification: Uncertain significance for COACH syndrome 1. Last evaluated: 2019-10-09. Review status: criteria provided, single submitter. Criteria: ACMG Guidelines, 2015. Collection method: clinical testing. Allele origin: unknown. Affected: yes.
Comment: This variant was determined to be of uncertain significance according to ACMG Guidelines, 2015 [PMID:25741868].

Eurofins Ntd Llc (ga)
Classification: Uncertain significance. Last evaluated: 2018-08-30. Review status: criteria provided, single submitter. Criteria: EGL ClinVar v180209 classification definitions. Collection method: clinical testing. Allele origin: germline. Observed: 6 variant alleles, 6 heterozygotes.

Illumina Laboratory Services, Illumina
Classification: Uncertain significance for Joubert syndrome 9. Last evaluated: 2017-04-27. Review status: criteria provided, single submitter. Criteria: ICSL Variant Classification Criteria 13 December 2019. Collection method: clinical testing. Allele origin: germline.

Illumina Laboratory Services, Illumina
Classification: Uncertain significance for Meckel syndrome, type 6. Last evaluated: 2017-04-27. Review status: criteria provided, single submitter. Criteria: ICSL Variant Classification Criteria 13 December 2019. Collection method: clinical testing. Allele origin: germline.

Institute of Human Genetics, Univ. Regensburg, Univ. Regensburg
Classification: Uncertain significance for Retinal dystrophy. Last evaluated: 2023-01-01. Review status: no assertion criteria provided. Criteria: ACMG Guidelines, 2015. Collection method: clinical testing. Allele origin: germline. Affected: yes. Not counted in ClinVar's aggregate classification.

NM_001378615.1(CC2D2A):c.2039G>A (p.Arg680His)

Genes: CC2D2A (coiled-coil and C2 domain containing 2A; plus strand), FBXL5 (F-box and leucine rich repeat protein 5; minus strand). Cytogenetic location: 4p15.32.
Variant type: single nucleotide variant.
Coding change: c.2039G>A on transcript NM_001378615.1 (MANE Select); coding-DNA position 2039, G replaced by A.
Protein change: p.Arg680His; replaces arginine 680 with histidine.
Molecular consequence: missense variant.
Genome position (GRCh38, 1-based): chr4:15,540,872, G>A. VCF-style: chr4-15540872-G-A. GRCh37 (hg19) VCF-style: chr4-15542495-G-A.
Other names: p.Arg680His; c.2039G>A, p.Arg680His (NM_001080522.2); c.1892G>A, p.Arg631His (NM_001378617.1); short protein forms R680H, R631H.
Identifiers: ClinVar variation 194820 (VCV000194820.27), dbSNP rs200236654, ClinGen allele CA241005.